The following is an entry in ClinVar:

NM_017617.5(NOTCH1):c.3550A>T (p.Ile1184Phe)

Gene: NOTCH1 (notch receptor 1; minus strand). Cytogenetic location: 9q34.3.
Variant type: single nucleotide variant.
Coding change: c.3550A>T on transcript NM_017617.5 (MANE Select); coding-DNA position 3550, A replaced by T.
Protein change: p.Ile1184Phe; replaces isoleucine 1184 with phenylalanine.
Molecular consequence: missense variant.
Genome position (GRCh38, 1-based): chr9:136,507,398, T>A on the plus strand (A>T on the coding strand, the complement: NOTCH1 is on the minus strand). VCF-style: chr9-136507398-T-A. GRCh37 (hg19) VCF-style: chr9-139401850-T-A.
Other names: short protein forms I1184F.
Identifiers: ClinVar variation 2811786 (VCV002811786.3), dbSNP rs1843105963, ClinGen allele CA375550002.
Genomic context (GRCh38, chr9:136,507,398, plus strand): 5'-TGTTGGGGAGGTCGAGGCAGGTGCCCCCGTTCTGGCAGGGGTGGGAGAGGCACTCGTCGA[T>A]CTCCTCAGAGCAGTTCACCCCGTGGTAGCCGGCCACGCACTGTGCAGGCGACAGAACGAG-3'
Protein context (NP_060087.3, residues 1174-1194): GYHGVNCSEE[Ile1184Phe]DECLSHPCQN

ClinVar aggregate classification (germline): Uncertain significance (1 of 4 stars; one submission).

Conditions:
Adams-Oliver syndrome 5 (AOS5). Identifiers: Orphanet 974, MedGen C4014970, MONDO:0014459, OMIM 616028.

Allele frequency attached by ClinVar (database versions not stated): gnomAD exomes below 0.00001; TOPMed below 0.00001.
gnomAD v4.1: 1 of 1,611,136 alleles (0.000062%); highest among the groups gnomAD compares: African/African-American, 0.0013%; no homozygotes.

Submission:

Labcorp Genetics (formerly Invitae), Labcorp
Classification: Uncertain significance for Adams-Oliver syndrome 5. Last evaluated: 2022-11-03. Review status: criteria provided, single submitter. Criteria: Invitae Variant Classification Sherloc (09022015). Collection method: clinical testing. Allele origin: germline.
Comment: This sequence change replaces isoleucine, which is neutral and non-polar, with phenylalanine, which is neutral and non-polar, at codon 1184 of the NOTCH1 protein (p.Ile1184Phe). This variant is not present in population databases (gnomAD no frequency). In summary, the available evidence is currently insufficient to determine the role of this variant in disease. Therefore, it has been classified as a Variant of Uncertain Significance. Advanced modeling of protein sequence and biophysical properties (such as structural, functional, and spatial information, amino acid conservation, physicochemical variation, residue mobility, and thermodynamic stability) performed at Invitae indicates that this missense variant is not expected to disrupt NOTCH1 protein function. This variant has not been reported in the literature in individuals affected with NOTCH1-related conditions.